The following is an entry in ClinVar:

ClinVar aggregate classification (germline): Likely pathogenic (1 of 4 stars; one submission).

Conditions:
Spondylocostal dysostosis 2, autosomal recessive (SCDO2). Also called: MESP2-Related Spondylocostal Dysostosis, Autosomal Recessive; Spondylocostal dysostosis type 2. Identifiers: Orphanet 2311, MedGen C1837549, MONDO:0012097, OMIM 608681.

Submission:

Natera, Inc.
Classification: Likely pathogenic for Spondylocostal dysostosis type 2. Last evaluated: 2025-06-23. Review status: criteria provided, single submitter. Criteria: Natera Variant Classification Schema (03/2026). Collection method: clinical testing. Allele origin: germline.
Comment: The c.599delA variant in MESP2 is a frameshift variant predicted to elongate the protein beyond the termination codon. This variant is expected to result in nonsense mediated decay, truncation, or a dysfunctional protein product. This variant is rare in the general population with a frequency below the threshold expected for the associated phenotype(s). Given the available evidence, this variant is classified as Likely Pathogenic.

NM_001039958.2(MESP2):c.599del (p.Gln200fs)

Gene: MESP2 (mesoderm posterior bHLH transcription factor 2; plus strand). Cytogenetic location: 15q26.1.
Variant type: Deletion.
Coding change: c.599del on transcript NM_001039958.2 (MANE Select); coding-DNA position 599, one base deleted (A; older notation c.599delA).
Protein change: p.Gln200fs; shifts the reading frame from glutamine 200.
Molecular consequence: frameshift variant.
Genome position (GRCh38, 1-based): chr15:89,776,956, A deleted. VCF-style (leftmost placement, unchanged base first): chr15-89776955-CA-C. GRCh37 (hg19) VCF-style: chr15-90320186-CA-C.
Other names: short protein forms Q200fs.
Identifiers: ClinVar variation 4814578 (VCV004814578.1).